The following is an entry in ClinVar:

ClinVar aggregate classification (germline): Benign/Likely benign. Review status: criteria provided, multiple submitters, no conflicts (2 of 4 stars). 5 submissions from 5 submitters: Benign (2); Likely benign (2). 1 of the submissions does not count toward it. Last evaluated 2026-02-04.

Conditions:
FREM2-related disorder. Also called: FREM2-related condition.
Fraser syndrome 2 (FRASRS2). Identifiers: MedGen C4540036, MONDO:0054738, OMIM 617666.

Allele frequency attached by ClinVar (database versions not stated): gnomAD exomes 0.00111 and 0.00210; ExAC 0.00246; gnomAD 0.00348 and 0.00366; ESP Exome Variant Server 0.00354; TOPMed 0.00381; 1000 Genomes Project 0.00519; 1000 Genomes Project 30x 0.00531.
gnomAD v4.1: 2,213 of 1,614,136 alleles (0.14%); highest among the groups gnomAD compares: African/African-American, 1.2%; 18 homozygotes.

Submissions (5):

Labcorp Genetics (formerly Invitae), Labcorp
Classification: Benign. Last evaluated: 2026-02-04. Review status: criteria provided, single submitter. Criteria: Invitae Variant Classification Sherloc (09022015). Collection method: clinical testing. Allele origin: germline.

CeGaT Center for Human Genetics Tuebingen
Classification: Benign. Last evaluated: 2023-01-01. Review status: criteria provided, single submitter. Criteria: CeGaT Center For Human Genetics Tuebingen Variant Classification Criteria Version 2. Collection method: clinical testing. Allele origin: germline. Affected: yes. Observed: 2 variant alleles.
Comment: FREM2: BS1, BS2

Illumina Laboratory Services, Illumina
Classification: Likely benign for Fraser syndrome 2. Last evaluated: 2018-01-13. Review status: criteria provided, single submitter. Criteria: ICSL Variant Classification Criteria 13 December 2019. Collection method: clinical testing. Allele origin: germline.
Comment: This variant was observed in the ICSL laboratory as part of a predisposition screen in an ostensibly healthy population. It had not been previously curated by ICSL or reported in the Human Gene Mutation Database (HGMD: prior to June 1st, 2018), and was therefore a candidate for classification through an automated scoring system. Utilizing variant allele frequency, disease prevalence and penetrance estimates, and inheritance mode, an automated score was calculated to assess if this variant is too frequent to cause the disease. Based on the score and internal cut-off values, a variant classified as likely benign is not then subjected to further curation. The score for this variant resulted in a classification of likely benign for this disease.

Breakthrough Genomics
Classification: Likely benign. Review status: criteria provided, single submitter. Criteria: ACMG Guidelines, 2015. Collection method: not provided. Allele origin: germline. Inheritance: Autosomal recessive inheritance. Affected: yes.

PreventionGenetics, part of Exact Sciences
Classification: Benign for FREM2-related condition. Last evaluated: 2019-06-25. Review status: no assertion criteria provided. Collection method: clinical testing. Allele origin: germline. Not counted in ClinVar's aggregate classification.
Comment: This variant is classified as benign based on ACMG/AMP sequence variant interpretation guidelines (Richards et al. 2015 PMID: 25741868, with internal and published modifications).

NM_207361.6(FREM2):c.4319C>A (p.Thr1440Lys)

Gene: FREM2 (FRAS1 related extracellular matrix 2; plus strand). Cytogenetic location: 13q13.3.
Variant type: single nucleotide variant.
Coding change: c.4319C>A on transcript NM_207361.6 (MANE Select); coding-DNA position 4319, C replaced by A.
Protein change: p.Thr1440Lys; replaces threonine 1440 with lysine.
Molecular consequence: missense variant.
Genome position (GRCh38, 1-based): chr13:38,691,663, C>A. VCF-style: chr13-38691663-C-A. GRCh37 (hg19) VCF-style: chr13-39265800-C-A.
Other names: short protein forms T1440K.
Identifiers: ClinVar variation 311977 (VCV000311977.40), dbSNP rs79048205, ClinGen allele CA6954965.